The following is an entry in ClinVar:

NM_001042492.3(NF1):c.2933G>A (p.Gly978Asp)

Gene: NF1 (neurofibromin 1; plus strand). Cytogenetic location: 17q11.2.
Variant type: single nucleotide variant.
Coding change: c.2933G>A on transcript NM_001042492.3 (MANE Select); coding-DNA position 2933, G replaced by A.
Protein change: p.Gly978Asp; replaces glycine 978 with aspartic acid.
Molecular consequence: missense variant.
Genome position (GRCh38, 1-based): chr17:31,229,917, G>A. VCF-style: chr17-31229917-G-A. GRCh37 (hg19) VCF-style: chr17-29556935-G-A.
Other names: c.2933G>A, p.Gly978Asp (NM_000267.4); short protein forms G978D.
Identifiers: ClinVar variation 822305 (VCV000822305.5), dbSNP rs1597716371, ClinGen allele CA398986247.

ClinVar aggregate classification (germline): Uncertain significance (1 of 4 stars; one submission).

Conditions:
Cardiovascular phenotype. Identifiers: MedGen CN230736.
Hereditary cancer-predisposing syndrome. Also called: Tumor predisposition; Hereditary Cancer Syndrome; Neoplastic Syndromes, Hereditary; Hereditary neoplastic syndrome. Identifiers: Orphanet 140162, MedGen C0027672, MeSH D009386, MONDO:0015356.

Submission:

Ambry Genetics
Classification: Uncertain significance for Cardiovascular phenotype; Hereditary cancer-predisposing syndrome. Last evaluated: 2025-06-10. Review status: criteria provided, single submitter. Criteria: Ambry Variant Classification Scheme 2023. Collection method: clinical testing. Allele origin: germline.
Comment: The p.G978D variant (also known as c.2933G>A), located in coding exon 22 of the NF1 gene, results from a G to A substitution at nucleotide position 2933. The glycine at codon 978 is replaced by aspartic acid, an amino acid with similar properties. This amino acid position is highly conserved in available vertebrate species. In addition, this alteration is predicted to be deleterious by in silico analysis. Based on the available evidence, the clinical significance of this variant remains unclear.